The following is an entry in ClinVar:

ClinVar aggregate classification (germline): Uncertain significance. Review status: criteria provided, multiple submitters, no conflicts (2 of 4 stars). 2 submissions from 2 submitters: Uncertain significance (2). Last evaluated 2026-06-27.

Conditions:
Noonan syndrome 8 (NS8). Identifiers: Orphanet 648, MedGen C3809233, MONDO:0014143, OMIM 615355.
Cardiovascular phenotype. Identifiers: MedGen CN230736.

Submissions (2):

Ambry Genetics
Classification: Uncertain significance for Cardiovascular phenotype. Last evaluated: 2026-06-27. Review status: criteria provided, single submitter. Criteria: Ambry Variant Classification Scheme 2023. Collection method: clinical testing. Allele origin: germline.
Comment: The p.K215T variant (also known as c.644A>C), located in coding exon 5 of the RIT1 gene, results from an A to C substitution at nucleotide position 644. The lysine at codon 215 is replaced by threonine, an amino acid with similar properties. This amino acid position is conserved. In addition, this alteration is predicted to be tolerated by in silico analysis. Based on the available evidence, the clinical significance of this variant remains unclear.

Labcorp Genetics (formerly Invitae), Labcorp
Classification: Uncertain significance for Noonan syndrome 8. Last evaluated: 2024-05-10. Review status: criteria provided, single submitter. Criteria: Invitae Variant Classification Sherloc (09022015). Collection method: clinical testing. Allele origin: germline.
Comment: This sequence change replaces lysine, which is basic and polar, with threonine, which is neutral and polar, at codon 215 of the RIT1 protein (p.Lys215Thr). This variant is not present in population databases (gnomAD no frequency). This variant has not been reported in the literature in individuals affected with RIT1-related conditions. Advanced modeling of protein sequence and biophysical properties (such as structural, functional, and spatial information, amino acid conservation, physicochemical variation, residue mobility, and thermodynamic stability) performed at Invitae indicates that this missense variant is not expected to disrupt RIT1 protein function with a negative predictive value of 95%. In summary, the available evidence is currently insufficient to determine the role of this variant in disease. Therefore, it has been classified as a Variant of Uncertain Significance.

NM_006912.6(RIT1):c.644A>C (p.Lys215Thr)

Gene: RIT1 (Ras like without CAAX 1; minus strand). Cytogenetic location: 1q22.
Variant type: single nucleotide variant.
Coding change: c.644A>C on transcript NM_006912.6 (MANE Select); coding-DNA position 644, A replaced by C.
Protein change: p.Lys215Thr; replaces lysine 215 with threonine.
Molecular consequence: missense variant.
Genome position (GRCh38, 1-based): chr1:155,900,404, T>G on the plus strand (A>C on the coding strand, the complement: RIT1 is on the minus strand). VCF-style: chr1-155900404-T-G. GRCh37 (hg19) VCF-style: chr1-155870195-T-G.
Other names: c.644A>C (NM_006912.4); c.536A>C, p.Lys179Thr (NM_001256820.2); c.695A>C, p.Lys232Thr (NM_001256821.2); short protein forms K179T, K215T, K232T.
Identifiers: ClinVar variation 3680672 (VCV003680672.3).